The following is an entry in ClinVar:

ClinVar aggregate classification (germline): Uncertain significance. Review status: criteria provided, multiple submitters, no conflicts (2 of 4 stars). 3 submissions from 3 submitters: Uncertain significance (3). Last evaluated 2024-10-11.

Conditions:
Arrhythmogenic right ventricular dysplasia 5. Also called: Arrhythmogenic Right Ventricular Dysplasia/Cardiomyopathy 5; ARRHYTHMOGENIC RIGHT VENTRICULAR DYSPLASIA, FAMILIAL, 5. Identifiers: MedGen C1858379, MONDO:0011459, OMIM 604400.

Allele frequency attached by ClinVar (database versions not stated): gnomAD exomes below 0.00001.
gnomAD v4.1: 1 of 1,613,760 alleles (0.000062%); highest among the groups gnomAD compares: Non-Finnish European, 0.000085%; no homozygotes.

Submissions (3):

Women's Health and Genetics/Laboratory Corporation of America, LabCorp
Classification: Uncertain significance. Last evaluated: 2024-10-11. Review status: criteria provided, single submitter. Criteria: LabCorp Variant Classification Summary - May 2015. Collection method: clinical testing. Allele origin: germline.
Comment: Variant summary: TMEM43 c.163-1G>C is located in a canonical splice-site and is predicted to affect mRNA splicing resulting in a significantly altered protein due to either exon skipping, shortening, or inclusion of intronic material. Variants that disrupt the consensus splice site are a relatively common cause of aberrant splicing, however current evidence is not sufficient to establish loss of function as a mechanism for disease. Several computational tools predict a significant impact on normal splicing: Four predict the variant abolishes a 3' acceptor site. However, these predictions have yet to be confirmed by functional studies. The variant was absent in 251074 control chromosomes (gnomAD). The available data on variant occurrences in the general population are insufficient to allow any conclusion about variant significance. To our knowledge, no occurrence of c.163-1G>C in individuals affected with Arrhythmogenic Right Ventricular Dysplasia/Cardiomyopathy and no experimental evidence demonstrating its impact on protein function have been reported. ClinVar contains an entry for this variant (Variation ID: 403554). Based on the evidence outlined above, the variant was classified as uncertain significance.

All of Us Research Program, National Institutes of Health
Classification: Uncertain significance for Arrhythmogenic right ventricular dysplasia 5. Last evaluated: 2024-01-11. Review status: criteria provided, single submitter. Criteria: ACMG Guidelines, 2015. Collection method: clinical testing. Allele origin: germline. Inheritance: Autosomal dominant inheritance. Observed: 3 variant alleles, 3 heterozygotes.
Comment: This variant causes a G to C nucleotide substitution at the -1 position of intron 2 of the TMEM43 gene. To our knowledge, functional studies have not been reported for this variant. This variant has not been reported in individuals affected with TMEM43-related disorders in the literature. This variant has not been identified in the general population by the Genome Aggregation Database (gnomAD). The available evidence is insufficient to determine the role of this variant in disease conclusively. Therefore, this variant is classified as a Variant of Uncertain Significance.

This study involves interpretation of variants in research participants for the purpose of population health screening. Participant phenotype was not available at the time of variant classification. Additional details can be found in publication PMID: 35346344, PMCID: PMC8962531

Laboratory for Molecular Medicine, Mass General Brigham Personalized Medicine
Classification: Uncertain significance. Last evaluated: 2016-10-20. Review status: criteria provided, single submitter. Criteria: LMM Criteria. Collection method: clinical testing. Allele origin: germline.
Comment: Variant identified in a genome or exome case(s) and assessed due to predicted null impact of the variant or pathogenic assertions in the literature or databases. Disclaimer: This variant has not undergone full assessment. The following are preliminary notes: No publications; LOF not established disease mechanism for ARVC

NM_024334.3(TMEM43):c.163-1G>C

Gene: TMEM43 (transmembrane protein 43; plus strand). Cytogenetic location: 3p25.1.
Variant type: single nucleotide variant.
Coding change: c.163-1G>C on transcript NM_024334.3 (MANE Select); the canonical splice acceptor site of the intron before coding-DNA position 163, G replaced by C.
Molecular consequence: splice acceptor variant. On other transcripts: intron variant (1).
Genome position (GRCh38, 1-based): chr3:14,130,821, G>C. VCF-style: chr3-14130821-G-C. GRCh37 (hg19) VCF-style: chr3-14172321-G-C.
Other names: c.163-1G>C (NM_001407274.1, NM_001407276.1, NM_001407275.1 and 2 more transcripts); c.163-16G>C (NM_001407278.1); c.13-1G>C (NM_001407280.1).
Identifiers: ClinVar variation 403554 (VCV000403554.6), dbSNP rs1060499911, ClinGen allele CA16609719.